The following is an entry in ClinVar:

NM_005560.6(LAMA5):c.10261C>A (p.Arg3421=)

Gene: LAMA5 (laminin subunit alpha 5; minus strand). Cytogenetic location: 20q13.33.
Variant type: single nucleotide variant.
Coding change: c.10261C>A on transcript NM_005560.6 (MANE Select); coding-DNA position 10261, C replaced by A.
Protein change: p.Arg3421=; no amino-acid change (arginine 3421 retained).
Molecular consequence: synonymous variant.
Genome position (GRCh38, 1-based): chr20:62,310,922, G>T on the plus strand (C>A on the coding strand, the complement: LAMA5 is on the minus strand). VCF-style: chr20-62310922-G-T. GRCh37 (hg19) VCF-style: chr20-60885978-G-T.
Other names: p.Arg3421=.
Identifiers: ClinVar variation 728569 (VCV000728569.35), dbSNP rs201094237, ClinGen allele CA9939860.
Genomic context (GRCh38, chr20:62,310,922, plus strand): 5'-CCAGGCCCTGCCCACCACCTTCCTTCTTCTCGGCCCTCACCTTGTGCCAGCGGCCAGGCC[G>T]GGAGCGCTGGCGGCTCTGGGCGCGGAGCCGAGTCCCGAGGCCTTCCATCTGTGCAACGAA-3'
Protein context (NP_005551.3, residues 3411-3431): RLRAQSRQRS[Arg3421=]PGRWHKVSVR

ClinVar aggregate classification (germline): Benign/Likely benign. Review status: criteria provided, multiple submitters, no conflicts (2 of 4 stars). 5 submissions from 5 submitters: Benign (3); Likely benign (2). Last evaluated 2026-03-01.

Allele frequency attached by ClinVar (database versions not stated): ESP Exome Variant Server 0.00032; gnomAD 0.00041; TOPMed 0.00045; 1000 Genomes Project 0.00060; 1000 Genomes Project 30x 0.00078.
gnomAD v4.1: 1,576 of 1,610,694 alleles (0.098%); highest among the groups gnomAD compares: Middle Eastern, 1%; 21 homozygotes.

Submissions (5):

CeGaT Center for Human Genetics Tuebingen
Classification: Likely benign. Last evaluated: 2026-03-01. Review status: criteria provided, single submitter. Criteria: CeGaT Center For Human Genetics Tuebingen Variant Classification Criteria Version 2. Collection method: clinical testing. Allele origin: germline. Affected: yes. Observed: 2 variant alleles.
Comment: LAMA5: BP4, BP7, BS2

Labcorp Genetics (formerly Invitae), Labcorp
Classification: Benign. Last evaluated: 2025-12-24. Review status: criteria provided, single submitter. Criteria: Invitae Variant Classification Sherloc (09022015). Collection method: clinical testing. Allele origin: germline.

Blueprint Genetics
Classification: Likely benign. Last evaluated: 2024-11-28. Review status: criteria provided, single submitter. Criteria: ACMG Guidelines, 2015. Collection method: clinical testing. Allele origin: germline.

Mayo Clinic Laboratories, Mayo Clinic
Classification: Benign. Last evaluated: 2024-10-09. Review status: criteria provided, single submitter. Criteria: ACMG Guidelines, 2015. Collection method: clinical testing. Allele origin: germline. Observed: 1 variant allele.
Comment: BS1, BS2, BP4, BP7

Breakthrough Genomics
Classification: Benign. Review status: criteria provided, single submitter. Criteria: ACMG Guidelines, 2015. Collection method: not provided. Allele origin: germline. Inheritance: Autosomal recessive inheritance. Affected: yes.